The following is an entry in ClinVar:

ClinVar aggregate classification (germline): Uncertain significance (1 of 4 stars; one submission).

Conditions:
TJP2-related disorder. Also called: TJP2-related condition.

gnomAD v4.1: 17 of 1,614,168 alleles (0.0011%); highest among the groups gnomAD compares: South Asian, 0.0066%; no homozygotes.

Submission:

PreventionGenetics, part of Exact Sciences
Classification: Uncertain significance for TJP2-related condition. Last evaluated: 2025-10-12. Review status: criteria provided, single submitter. Criteria: ACMG Guidelines, 2015. Collection method: clinical testing. Allele origin: germline.
Comment: The TJP2 c.2591A>G variant is predicted to result in the amino acid substitution p.Asn864Ser. To our knowledge, this variant has not been reported in the literature. This variant is reported in 0.0065% of alleles in individuals of South Asian descent in gnomAD. At this time, the clinical significance of this variant is uncertain due to the absence of conclusive functional and genetic evidence.

NM_004817.4(TJP2):c.2591A>G (p.Asn864Ser)

Gene: TJP2 (tight junction protein 2; plus strand). Cytogenetic location: 9q21.11.
Variant type: single nucleotide variant.
Coding change: c.2591A>G on transcript NM_004817.4 (MANE Select); coding-DNA position 2591, A replaced by G.
Protein change: p.Asn864Ser; replaces asparagine 864 with serine.
Molecular consequence: missense variant.
Genome position (GRCh38, 1-based): chr9:69,246,714, A>G. VCF-style: chr9-69246714-A-G. GRCh37 (hg19) VCF-style: chr9-71861630-A-G.
Other names: c.2522A>G, p.Asn841Ser (NM_001170414.2, NM_001369871.1); c.2603A>G, p.Asn868Ser (NM_001170415.1, NM_001369874.1, NM_001369875.1); c.2684A>G, p.Asn895Ser (NM_001170416.2); c.2516A>G, p.Asn839Ser (NM_001369870.1); c.2591A>G, p.Asn864Ser (NM_001369872.1, NM_001369873.1, NM_201629.3); short protein forms N839S, N841S, N864S, N868S, N895S.
Identifiers: ClinVar variation 4978779 (VCV004978779.1).
Genomic context (GRCh38, chr9:69,246,714, plus strand): 5'-AAATTAATGCAGACCTTTTTGTTTATATTTCTATAGCTACAATCAACCTAAATTCAGCCA[A>G]TGATAGCTGGTTTGGCAGCTTAAAGGACACTATTCAGCATCAGCAAGGAGAAGCGGTTTG-3'
Protein context (NP_004808.2, residues 854-874): FTATINLNSA[Asn864Ser]DSWFGSLKDT